The following is an entry in ClinVar:

NM_152703.5(SAMD9L):c.430G>A (p.Glu144Lys)

Gene: SAMD9L (sterile alpha motif domain containing 9 like; minus strand). Cytogenetic location: 7q21.2.
Variant type: single nucleotide variant.
Coding change: c.430G>A on transcript NM_152703.5 (MANE Select); coding-DNA position 430, G replaced by A.
Protein change: p.Glu144Lys; replaces glutamic acid 144 with lysine.
Molecular consequence: missense variant.
Genome position (GRCh38, 1-based): chr7:93,135,542, C>T on the plus strand (G>A on the coding strand, the complement: SAMD9L is on the minus strand). VCF-style: chr7-93135542-C-T. GRCh37 (hg19) VCF-style: chr7-92764855-C-T.
Other names: c.430G>A, p.Glu144Lys (NM_001303496.3, NM_001303497.3, NM_001303498.3 and 5 more transcripts); short protein forms E144K.
Identifiers: ClinVar variation 3792507 (VCV003792507.1).

ClinVar aggregate classification (germline): Uncertain significance (1 of 4 stars; one submission).

Conditions:
Inborn genetic diseases. Identifiers: MedGen C0950123, MeSH D030342.

Submission:

Ambry Genetics
Classification: Uncertain significance for Inborn genetic diseases. Last evaluated: 2025-03-10. Review status: criteria provided, single submitter. Criteria: Ambry Variant Classification Scheme 2023. Collection method: clinical testing. Allele origin: germline.
Comment: The p.E144K variant (also known as c.430G>A), located in coding exon 1 of the SAMD9L gene, results from a G to A substitution at nucleotide position 430. The glutamic acid at codon 144 is replaced by lysine, an amino acid with similar properties. This amino acid position is conserved. In addition, this alteration is predicted to be tolerated by in silico analysis. Based on the available evidence, the clinical significance of this variant remains unclear.